The following is an entry in ClinVar:

ClinVar aggregate classification (germline): Conflicting classifications of pathogenicity. Review status: criteria provided, conflicting classifications (1 of 4 stars). 3 submissions from 3 submitters: Uncertain significance (1); Likely benign (2). Last evaluated 2025-11-10.

Conditions:
Costello syndrome (CSTLO). Also called: FCS SYNDROME; HRAS-Related Costello Syndrome; FACIOCUTANEOSKELETAL SYNDROME. Identifiers: Orphanet 3071, MedGen C0587248, MONDO:0009026, OMIM 218040.

Allele frequency attached by ClinVar (database versions not stated): TOPMed 0.00002; ExAC 0.00001; gnomAD 0.00001; gnomAD exomes 0.00001.
gnomAD v4.1: 41 of 1,608,298 alleles (0.0025%); highest among the groups gnomAD compares: Non-Finnish European, 0.0034%; no homozygotes.

Submissions (3):

Labcorp Genetics (formerly Invitae), Labcorp
Classification: Likely benign for Costello syndrome. Last evaluated: 2025-11-10. Review status: criteria provided, single submitter. Criteria: Invitae Variant Classification Sherloc (09022015). Collection method: clinical testing. Allele origin: germline.

Women's Health and Genetics/Laboratory Corporation of America, LabCorp
Classification: Likely benign. Last evaluated: 2025-01-08. Review status: criteria provided, single submitter. Criteria: LabCorp Variant Classification Summary - May 2015. Collection method: clinical testing. Allele origin: germline.
Comment: Variant summary: HRAS c.112-13T>A alters a nucleotide located at a position not widely known to affect splicing. Several computational tools predict a significant impact on normal splicing: One predict the variant abolishes a 3 acceptor site. Three predict the variant weakens a 3 acceptor site. However, these predictions have yet to be confirmed by functional studies. The variant allele was found at a frequency of 2.5e-05 in 1608298 control chromosomes. The observed variant frequency is approximately 5.099 fold of the estimated maximal expected allele frequency for a pathogenic variant in HRAS causing Costello Syndrome phenotype (5e-06). To our knowledge, no occurrence of c.112-13T>A in individuals affected with Costello Syndrome and no experimental evidence demonstrating its impact on protein function have been reported. ClinVar contains an entry for this variant (Variation ID: 987825). Based on the evidence outlined above, the variant was classified as likely benign.

GeneDx
Classification: Uncertain significance. Last evaluated: 2020-09-01. Review status: criteria provided, single submitter. Criteria: GeneDx Variant Classification Process June 2021. Collection method: clinical testing. Allele origin: germline. Affected: yes.
Comment: Has not been previously published as pathogenic or benign to our knowledge; In-silico analysis, which includes splice predictors and evolutionary conservation, is inconclusive as to whether the variant alters gene splicing. In the absence of RNA/functional studies, the actual effect of this sequence change is unknown.

NM_005343.4(HRAS):c.112-13T>A

Genes: HRAS (HRas proto-oncogene, GTPase; minus strand), LRRC56 (leucine rich repeat containing 56; plus strand). Cytogenetic location: 11p15.5.
Variant type: single nucleotide variant.
Coding change: c.112-13T>A on transcript NM_005343.4 (MANE Select); 13 bases into the intron before coding-DNA position 112, T replaced by A.
Molecular consequence: intron variant.
Genome position (GRCh38, 1-based): chr11:533,957, A>T on the plus strand (T>A on the coding strand, the complement: HRAS is on the minus strand). VCF-style: chr11-533957-A-T. GRCh37 (hg19) VCF-style: chr11-533957-A-T.
Other names: c.112-13T>A (NM_001130442.3, NM_176795.5); c.-208-13T>A (NM_001318054.2).
Identifiers: ClinVar variation 987825 (VCV000987825.12), dbSNP rs766582484, ClinGen allele CA5779400.
Genomic context (GRCh38, chr11:533,957, plus strand): 5'-CAACAGGCACGTCTCCCCATCAATGACCACCTGCTTCCGGTAGGAATCCTGCAGGAGGAC[A>T]GGGCTCAGGGACCCCCTCAGGACCTTCCGTGGGGGGAGTTCACACAGCCAGCCTCTCCCT-3'